The following is an entry in ClinVar:

NM_005032.7(PLS3):c.1262+1G>A

Gene: PLS3 (plastin 3; plus strand). Cytogenetic location: Xq23.
Variant type: single nucleotide variant.
Coding change: c.1262+1G>A on transcript NM_005032.7 (MANE Select); the canonical splice donor site of the intron after coding-DNA position 1262, G replaced by A.
Molecular consequence: splice donor variant.
Genome position (GRCh38, 1-based): chrX:115,645,100, G>A. VCF-style: chrX-115645100-G-A. GRCh37 (hg19) VCF-style: chrX-114879420-G-A.
Other names: c.1223+1G>A (NM_001282337.2); c.1127+1G>A (NM_001282338.2); c.1262+1G>A (NM_001136025.5); c.1181+1G>A (NM_001172335.3).
Identifiers: ClinVar variation 1209900 (VCV001209900.6), dbSNP rs868979288, ClinGen allele CA414335565.
Genomic context (GRCh38, chrX:115,645,100, plus strand): 5'-AACCTTCCGTAACTGGATGAACTCTCTTGGTGTCAATCCTCACGTAAACCATCTCTATGC[G>A]TAAGCCTTCCTACTGCTATTGTAAACAGTTACGAATGTCATGAATGGATGTTAAATAATG-3'

ClinVar aggregate classification (germline): Likely pathogenic. Review status: criteria provided, single submitter (1 of 4 stars). 3 submissions from 3 submitters: Likely pathogenic (1). 2 of the submissions do not count toward it. Last evaluated 2023-04-10.

Submissions (3):

Labcorp Genetics (formerly Invitae), Labcorp
Classification: Likely pathogenic. Last evaluated: 2023-04-10. Review status: criteria provided, single submitter. Criteria: Invitae Variant Classification Sherloc (09022015). Collection method: clinical testing. Allele origin: germline.
Comment: ClinVar contains an entry for this variant (Variation ID: 1209900). This variant has not been reported in the literature in individuals affected with PLS3-related conditions. This variant is not present in population databases (gnomAD no frequency). This sequence change affects a donor splice site in intron 11 of the PLS3 gene. It is expected to disrupt RNA splicing. Variants that disrupt the donor or acceptor splice site typically lead to a loss of protein function (PMID: 16199547), and loss-of-function variants in PLS3 are known to be pathogenic (PMID: 24088043, 30405713, 33166085). Algorithms developed to predict the effect of sequence changes on RNA splicing suggest that this variant may disrupt the consensus splice site. In summary, the currently available evidence indicates that the variant is pathogenic, but additional data are needed to prove that conclusively. Therefore, this variant has been classified as Likely Pathogenic.

Genome Diagnostics Laboratory, Amsterdam University Medical Center
Classification: Pathogenic. Review status: no assertion criteria provided. Collection method: clinical testing. Allele origin: germline. Affected: yes. Study: VKGL Data-share Consensus. Not counted in ClinVar's aggregate classification.

Joint Genome Diagnostic Labs from Nijmegen and Maastricht, Radboudumc and MUMC+
Classification: Likely pathogenic. Review status: no assertion criteria provided. Collection method: clinical testing. Allele origin: germline. Affected: yes. Study: VKGL Data-share Consensus. Not counted in ClinVar's aggregate classification.

Literature cited by the submitters: PubMed 16199547 (cited by Labcorp Genetics (formerly Invitae), Labcorp); PubMed 24088043 (cited by Labcorp Genetics (formerly Invitae), Labcorp); PubMed 30405713 (cited by Labcorp Genetics (formerly Invitae), Labcorp); PubMed 33166085 (cited by Labcorp Genetics (formerly Invitae), Labcorp).